The following is an entry in ClinVar:

NM_000116.5(TAFAZZIN):c.460G>A (p.Gly154Arg)

Gene: TAFAZZIN (tafazzin, phospholipid-lysophospholipid transacylase; plus strand). Cytogenetic location: Xq28.
Variant type: single nucleotide variant.
Coding change: c.460G>A on transcript NM_000116.5 (MANE Select); coding-DNA position 460, G replaced by A.
Protein change: p.Gly154Arg; replaces glycine 154 with arginine.
Molecular consequence: missense variant. On other transcripts: intron variant (2).
Genome position (GRCh38, 1-based): chrX:154,414,190, G>A. VCF-style: chrX-154414190-G-A. GRCh37 (hg19) VCF-style: chrX-153642527-G-A.
Other names: c.514G>A, p.Gly172Arg (NM_001303465.2); c.460G>A, p.Gly154Arg (NM_181312.4); c.370+623G>A (NM_181311.4, NM_181313.4); short protein forms G154R, G172R.
Identifiers: ClinVar variation 835933 (VCV000835933.4), dbSNP rs2068414496, ClinGen allele CA415182814.
Genomic context (GRCh38, chrX:154,414,190, plus strand): 5'-GGGAAAGGTGTTCTAGACACAGGCAGGCACATGCCAGGTGCTGGAAAAAGAAGAGAGAAA[G>A]GTAAGCCAGGCATAGCGGTTCACACTTGTCATCCCAGCACTTTGTGAGGTCGAGGTGAGA-3'
Protein context (NP_000107.1, residues 144-164): MPGAGKRREK[Gly154Arg]DGVYQKGMDF

ClinVar aggregate classification (germline): Uncertain significance (1 of 4 stars; one submission).

Conditions:
3-Methylglutaconic aciduria type 2 (BTHS). Also called: Barth syndrome; CARDIOSKELETAL MYOPATHY WITH NEUTROPENIA AND ABNORMAL MITOCHONDRIA. Identifiers: Orphanet 111, MedGen C0574083, MONDO:0010543, OMIM 302060.

Allele frequency attached by ClinVar (database versions not stated): gnomAD exomes below 0.00001.

Submission:

Labcorp Genetics (formerly Invitae), Labcorp
Classification: Uncertain significance for 3-Methylglutaconic aciduria type 2. Last evaluated: 2022-11-01. Review status: criteria provided, single submitter. Criteria: Invitae Variant Classification Sherloc (09022015). Collection method: clinical testing. Allele origin: germline.
Comment: This sequence change replaces glycine, which is neutral and non-polar, with arginine, which is basic and polar, at codon 154 of the TAZ protein (p.Gly154Arg). This variant also falls at the last nucleotide of exon 5, which is part of the consensus splice site for this exon. In summary, the available evidence is currently insufficient to determine the role of this variant in disease. Therefore, it has been classified as a Variant of Uncertain Significance. Variants that disrupt the consensus splice site are a relatively common cause of aberrant splicing (PMID: 17576681, 9536098). Algorithms developed to predict the effect of sequence changes on RNA splicing suggest that this variant may disrupt the consensus splice site. Algorithms developed to predict the effect of missense changes on protein structure and function (SIFT, PolyPhen-2, Align-GVGD) all suggest that this variant is likely to be disruptive. ClinVar contains an entry for this variant (Variation ID: 835933). This variant has not been reported in the literature in individuals affected with TAZ-related conditions. This variant is not present in population databases (gnomAD no frequency).

Literature cited by the submitters: PubMed 17576681; PubMed 9536098.